The following is an entry in ClinVar:

NM_014714.4(IFT140):c.3033G>A (p.Ala1011=)

Genes: IFT140 (intraflagellar transport 140; minus strand), LOC126862260 (CDK7 strongly-dependent group 2 enhancer GRCh37_chr16:1574508-1575707; plus strand). Cytogenetic location: 16p13.3.
Variant type: single nucleotide variant.
Coding change: c.3033G>A on transcript NM_014714.4 (MANE Select); coding-DNA position 3033, G replaced by A.
Protein change: p.Ala1011=; no amino-acid change (alanine 1011 retained).
Molecular consequence: synonymous variant.
Genome position (GRCh38, 1-based): chr16:1,524,660, C>T on the plus strand (G>A on the coding strand, the complement: IFT140 is on the minus strand). VCF-style: chr16-1524660-C-T. GRCh37 (hg19) VCF-style: chr16-1574661-C-T.
Other names: c.3033G>A (NM_014714.3).
Identifiers: ClinVar variation 1109898 (VCV001109898.13), dbSNP rs148625428, ClinGen allele CA7813353.

ClinVar aggregate classification (germline): Likely benign. Review status: criteria provided, multiple submitters, no conflicts (2 of 4 stars). 5 submissions from 5 submitters: Likely benign (5). Last evaluated 2025-05-27.

Conditions:
Saldino-Mainzer syndrome (SRTD9). Also called: CONORENAL SYNDROME; SHORT-RIB THORACIC DYSPLASIA 9 WITHOUT POLYDACTYLY; short-rib thoracic dysplasia 9 with or without polydactyly; Renal dysplasia, retinal pigmentary dystrophy, cerebellar ataxia and skeletal dysplasia. Identifiers: Orphanet 140969, MedGen C1849437, MONDO:0009964, OMIM 266920.
Retinitis pigmentosa 80 (RP80). Identifiers: MedGen C4540439, MONDO:0054708, OMIM 617781.
Inborn genetic diseases. Identifiers: MedGen C0950123, MeSH D030342.
IFT140-related disorder. Also called: IFT140-related condition.

Allele frequency attached by ClinVar (database versions not stated): gnomAD exomes 0.00003 and 0.00006; ExAC 0.00010; gnomAD 0.00019 and 0.00021; 1000 Genomes Project 0.00020; ESP Exome Variant Server 0.00023; TOPMed 0.00023; 1000 Genomes Project 30x 0.00031.

Submissions (5):

PreventionGenetics, part of Exact Sciences
Classification: Likely benign for IFT140-related condition. Last evaluated: 2025-05-27. Review status: criteria provided, single submitter. Criteria: ACMG Guidelines, 2015. Collection method: clinical testing. Allele origin: germline.
Comment: This variant is classified as likely benign based on ACMG/AMP sequence variant interpretation guidelines (Richards et al. 2015 PMID: 25741868, with internal and published modifications).

Labcorp Genetics (formerly Invitae), Labcorp
Classification: Likely benign for Saldino-Mainzer syndrome. Last evaluated: 2025-04-08. Review status: criteria provided, single submitter. Criteria: Invitae Variant Classification Sherloc (09022015). Collection method: clinical testing. Allele origin: germline.

Ambry Genetics
Classification: Likely benign for Inborn genetic diseases. Last evaluated: 2025-02-10. Review status: criteria provided, single submitter. Criteria: Ambry Variant Classification Scheme 2023. Collection method: clinical testing. Allele origin: germline.

Blueprint Genetics
Classification: Likely benign. Last evaluated: 2024-07-19. Review status: criteria provided, single submitter. Criteria: ACMG Guidelines, 2015. Collection method: clinical testing. Allele origin: germline.

Fulgent Genetics
Classification: Likely benign for Saldino-Mainzer syndrome; Retinitis pigmentosa 80. Last evaluated: 2022-02-03. Review status: criteria provided, single submitter. Criteria: ACMG Guidelines, 2015. Collection method: clinical testing. Allele origin: unknown.